The following is an entry in ClinVar:

ClinVar aggregate classification (germline): Uncertain significance (1 of 4 stars; one submission).

Allele frequency attached by ClinVar (database versions not stated): gnomAD exomes below 0.00001.

Submission:

GeneDx
Classification: Uncertain significance. Last evaluated: 2019-06-13. Review status: criteria provided, single submitter. Criteria: GeneDx Variant Classification Process June 2021. Collection method: clinical testing. Allele origin: germline. Affected: yes.
Comment: Not observed in large population cohorts (Lek et al., 2016); In silico analysis, which includes protein predictors and evolutionary conservation, supports a deleterious effect; Has not been previously published as pathogenic or benign to our knowledge

NM_030665.4(RAI1):c.1413G>C (p.Arg471Ser)

Gene: RAI1 (retinoic acid induced 1; plus strand). Cytogenetic location: 17p11.2.
Variant type: single nucleotide variant.
Coding change: c.1413G>C on transcript NM_030665.4 (MANE Select); coding-DNA position 1413, G replaced by C.
Protein change: p.Arg471Ser; replaces arginine 471 with serine.
Molecular consequence: missense variant.
Genome position (GRCh38, 1-based): chr17:17,794,361, G>C. VCF-style: chr17-17794361-G-C. GRCh37 (hg19) VCF-style: chr17-17697675-G-C.
Other names: short protein forms R471S.
Identifiers: ClinVar variation 1306454 (VCV001306454.2), dbSNP rs2143001922, ClinGen allele CA398547770.